The following is an entry in ClinVar:

NM_001017420.3(ESCO2):c.1450G>A (p.Asp484Asn)

Gene: ESCO2 (establishment of sister chromatid cohesion N-acetyltransferase 2; plus strand). Cytogenetic location: 8p21.1.
Variant type: single nucleotide variant.
Coding change: c.1450G>A on transcript NM_001017420.3 (MANE Select); coding-DNA position 1450, G replaced by A.
Protein change: p.Asp484Asn; replaces aspartic acid 484 with asparagine.
Molecular consequence: missense variant.
Genome position (GRCh38, 1-based): chr8:27,792,764, G>A. VCF-style: chr8-27792764-G-A. GRCh37 (hg19) VCF-style: chr8-27650281-G-A.
Other names: short protein forms D484N.
Identifiers: ClinVar variation 2102300 (VCV002102300.1), dbSNP rs780797247, ClinGen allele CA4692314.

ClinVar aggregate classification (germline): Uncertain significance (1 of 4 stars; one submission).

Allele frequency attached by ClinVar (database versions not stated): gnomAD exomes below 0.00001; ExAC 0.00001; gnomAD 0.00001.
gnomAD v4.1: 2 of 1,610,048 alleles (0.00012%); highest among the groups gnomAD compares: Non-Finnish European, 0.00017%; no homozygotes.

Submission:

Labcorp Genetics (formerly Invitae), Labcorp
Classification: Uncertain significance. Last evaluated: 2022-03-23. Review status: criteria provided, single submitter. Criteria: Invitae Variant Classification Sherloc (09022015). Collection method: clinical testing. Allele origin: germline.
Comment: This sequence change replaces aspartic acid, which is acidic and polar, with asparagine, which is neutral and polar, at codon 484 of the ESCO2 protein (p.Asp484Asn). This variant is present in population databases (rs780797247, gnomAD 0.007%). This variant has not been reported in the literature in individuals affected with ESCO2-related conditions. Algorithms developed to predict the effect of missense changes on protein structure and function (SIFT, PolyPhen-2, Align-GVGD) all suggest that this variant is likely to be tolerated. Algorithms developed to predict the effect of sequence changes on RNA splicing suggest that this variant may disrupt the consensus splice site. In summary, the available evidence is currently insufficient to determine the role of this variant in disease. Therefore, it has been classified as a Variant of Uncertain Significance.